The following is an entry in ClinVar:

NM_000939.4(POMC):c.383C>T (p.Ala128Val)

Gene: POMC (proopiomelanocortin; minus strand). Cytogenetic location: 2p23.3.
Variant type: single nucleotide variant.
Coding change: c.383C>T on transcript NM_000939.4 (MANE Select); coding-DNA position 383, C replaced by T.
Protein change: p.Ala128Val; replaces alanine 128 with valine.
Molecular consequence: missense variant.
Genome position (GRCh38, 1-based): chr2:25,161,502, G>A on the plus strand (C>T on the coding strand, the complement: POMC is on the minus strand). VCF-style: chr2-25161502-G-A. GRCh37 (hg19) VCF-style: chr2-25384371-G-A.
Other names: c.383C>T (NM_000939.3); c.383C>T, p.Ala128Val (NM_001035256.3, NM_001319204.2, NM_001319205.2); short protein forms A128V.
Identifiers: ClinVar variation 3216724 (VCV003216724.2), dbSNP rs997337232, ClinGen allele CA43684721.

ClinVar aggregate classification (germline): Uncertain significance. Review status: criteria provided, multiple submitters, no conflicts (2 of 4 stars). 2 submissions from 2 submitters: Uncertain significance (2). Last evaluated 2026-04-23.

Conditions:
POMC-related disorder. Also called: POMC-related disorders; POMC-related condition.
Inborn genetic diseases. Identifiers: MedGen C0950123, MeSH D030342.

Allele frequency attached by ClinVar (database versions not stated): gnomAD exomes 0.00001.
gnomAD v4.1: 20 of 1,601,852 alleles (0.0012%); highest among the groups gnomAD compares: African/African-American, 0.0027%; no homozygotes.

Submissions (2):

PreventionGenetics, part of Exact Sciences
Classification: Uncertain significance for POMC-related condition. Last evaluated: 2026-04-23. Review status: criteria provided, single submitter. Criteria: ACMG Guidelines, 2015. Collection method: clinical testing. Allele origin: germline.
Comment: The POMC c.383C>T variant is predicted to result in the amino acid substitution p.Ala128Val. To our knowledge, this variant has not been reported in the literature. This variant is reported in 0.0054% of alleles in individuals of East Asian descent in gnomAD. At this time, the clinical significance of this variant is uncertain due to the absence of conclusive functional and genetic evidence.

Ambry Genetics
Classification: Uncertain significance for Inborn genetic diseases. Last evaluated: 2024-01-09. Review status: criteria provided, single submitter. Criteria: Ambry Variant Classification Scheme 2023. Collection method: clinical testing. Allele origin: germline.